The following is an entry in ClinVar:

NM_005670.4(EPM2A):c.92_124del (p.Arg31_Arg41del)

Genes: EPM2A-DT (EPM2A divergent transcript; plus strand), EPM2A (EPM2A glucan phosphatase, laforin; minus strand), LOC129997381 (ATAC-STARR-seq lymphoblastoid silent region 17642; plus strand). Cytogenetic location: 6q24.3.
Variant type: Deletion.
Coding change: c.92_124del on transcript NM_005670.4 (MANE Select); coding-DNA positions 92 to 124, 33 bases deleted.
Protein change: p.Arg31_Arg41del.
Molecular consequence: inframe deletion. On other transcripts: 5 prime UTR variant (3), intron variant (1).
Genome position (GRCh38, 1-based): chr6:145,735,375-145,735,407, 33 bases deleted; deleting any 33 consecutive bases within chr6:145,735,375-145,735,410 gives the same sequence; the c. name uses the placement nearest the transcript's 3' end. GRCh37 (hg19): chr6:146,056,514-146,056,546.
Other names: c.92_124del, p.Arg31_Arg41del (NM_001018041.2, NM_001360057.2, NM_001368130.1); c.-578_-546del (NM_001360071.2); c.-532_-500del (NM_001368129.2); c.-276_-244del (NM_001368131.1); c.-114+501_-114+533del (NM_001360064.2).
Identifiers: ClinVar variation 1471835 (VCV001471835.17), dbSNP rs2128649765, ClinGen allele CA2573140657.

ClinVar aggregate classification (germline): Pathogenic/Likely pathogenic. Review status: criteria provided, multiple submitters, no conflicts (2 of 4 stars). 2 submissions from 2 submitters: Pathogenic (1); Likely pathogenic (1). Last evaluated 2025-08-01.

Conditions:
Progressive myoclonic epilepsy. Also called: Myoclonic Epilepsies, Progressive; Familial progressive myoclonic epilepsy; Progressive myoclonus epilepsy; Myoclonus epilepsy. Identifiers: Orphanet 308, Orphanet 98261, MedGen C0751778, MONDO:0020074.

Submissions (2):

CeGaT Center for Human Genetics Tuebingen
Classification: Likely pathogenic. Last evaluated: 2025-08-01. Review status: criteria provided, single submitter. Criteria: CeGaT Center For Human Genetics Tuebingen Variant Classification Criteria Version 2. Collection method: clinical testing. Allele origin: germline. Affected: yes. Observed: 1 variant allele.
Comment: EPM2A: PM2, PM3, PM4

Labcorp Genetics (formerly Invitae), Labcorp
Classification: Pathogenic for Progressive myoclonic epilepsy. Last evaluated: 2024-12-12. Review status: criteria provided, single submitter. Criteria: Invitae Variant Classification Sherloc (09022015). Collection method: clinical testing. Allele origin: germline.
Comment: This variant, c.92_124del, results in the deletion of 11 amino acid(s) of the EPM2A protein (p.Arg31_Arg41del), but otherwise preserves the integrity of the reading frame. The frequency data for this variant in the population databases is considered unreliable, as metrics indicate insufficient coverage at this position in the gnomAD database. This variant has been observed in individual(s) with clinical features of Lafora disease (PMID: 11175283). This variant is also known as c.91-123del. ClinVar contains an entry for this variant (Variation ID: 1471835). This variant disrupts a region of the EPM2A protein in which other variant(s) (p.Trp32Gly) have been determined to be pathogenic (PMID: 10932264, 12019207, 14532330). This suggests that this is a clinically significant region of the protein, and that variants that disrupt it are likely to be disease-causing. For these reasons, this variant has been classified as Pathogenic.

Literature cited by the submitters: PubMed 11175283 (cited by Labcorp Genetics (formerly Invitae), Labcorp); PubMed 10932264 (cited by Labcorp Genetics (formerly Invitae), Labcorp); PubMed 12019207 (cited by Labcorp Genetics (formerly Invitae), Labcorp); PubMed 14532330 (cited by Labcorp Genetics (formerly Invitae), Labcorp).